The following is an entry in ClinVar:

NM_153816.6(SNX14):c.2532G>A (p.Leu844=)

Gene: SNX14 (sorting nexin 14; minus strand). Cytogenetic location: 6q14.3.
Variant type: single nucleotide variant.
Coding change: c.2532G>A on transcript NM_153816.6 (MANE Select); coding-DNA position 2532, G replaced by A.
Protein change: p.Leu844=; no amino-acid change (leucine 844 retained).
Molecular consequence: synonymous variant. On other transcripts: non-coding transcript variant (6), intron variant (2).
Genome position (GRCh38, 1-based): chr6:85,514,095, C>T on the plus strand (G>A on the coding strand, the complement: SNX14 is on the minus strand). VCF-style: chr6-85514095-C-T. GRCh37 (hg19) VCF-style: chr6-86223813-C-T.
Other names: p.Leu844=; c.2505G>A, p.Leu835= (NM_001297614.3); c.2376G>A, p.Leu792= (NM_001304479.2); c.2595G>A, p.Leu865= (NM_001350532.2); c.2529G>A, p.Leu843= (NM_001350533.2, NM_001350535.2); c.2502G>A, p.Leu834= (NM_001350534.2); c.2400G>A, p.Leu800= (NM_001350536.2); c.2397G>A, p.Leu799= (NM_001350537.2); and 11 more.
Identifiers: ClinVar variation 713083 (VCV000713083.14), dbSNP rs143873124, ClinGen allele CA3911849.
Genomic context (GRCh38, chr6:85,514,095, plus strand): 5'-CAAAATATGAAACAAACACATTAGAAAATACAAACCTCTGAGAAGTGTTATGAGTGAGAC[C>T]AAACGGTGCTCCTGAAATAGCTGTTCTAGTTTACACTGAAGATAGTAATCAGTATACATT-3'
Protein context (NP_722523.1, residues 834-854): KLEQLFQEHR[Leu844=]VSLITLLRDA

ClinVar aggregate classification (germline): Benign/Likely benign. Review status: criteria provided, multiple submitters, no conflicts (2 of 4 stars). 5 submissions from 5 submitters: Benign (3); Likely benign (2). Last evaluated 2026-01-27.

Conditions:
SNX14-related disorder. Also called: SNX14-related condition.

Allele frequency attached by ClinVar (database versions not stated): gnomAD exomes 0.00082 and 0.00214; ExAC 0.00256; gnomAD 0.00791 and 0.00849; ESP Exome Variant Server 0.00846; 1000 Genomes Project 0.00859; TOPMed 0.00897; 1000 Genomes Project 30x 0.00937.
gnomAD v4.1: 2,468 of 1,613,122 alleles (0.15%); highest among the groups gnomAD compares: African/African-American, 2.7%; 34 homozygotes.

Submissions (5):

Labcorp Genetics (formerly Invitae), Labcorp
Classification: Benign. Last evaluated: 2026-01-27. Review status: criteria provided, single submitter. Criteria: Invitae Variant Classification Sherloc (09022015). Collection method: clinical testing. Allele origin: germline.

PreventionGenetics, part of Exact Sciences
Classification: Benign for SNX14-related condition. Last evaluated: 2025-03-08. Review status: criteria provided, single submitter. Criteria: ACMG Guidelines, 2015. Collection method: clinical testing. Allele origin: germline.
Comment: This variant is classified as benign based on ACMG/AMP sequence variant interpretation guidelines (Richards et al. 2015 PMID: 25741868, with internal and published modifications).

Mayo Clinic Laboratories, Mayo Clinic
Classification: Benign. Last evaluated: 2024-05-01. Review status: criteria provided, single submitter. Criteria: ACMG Guidelines, 2015. Collection method: clinical testing. Allele origin: germline. Observed: 4 variant alleles.
Comment: BA1, BP4, BP7

GeneDx
Classification: Likely benign. Last evaluated: 2021-07-26. Review status: criteria provided, single submitter. Criteria: GeneDx Variant Classification Process June 2021. Collection method: clinical testing. Allele origin: germline. Affected: yes.

Breakthrough Genomics
Classification: Likely benign. Review status: criteria provided, single submitter. Criteria: ACMG Guidelines, 2015. Collection method: not provided. Allele origin: germline. Inheritance: Autosomal recessive inheritance. Affected: yes.